The following is an entry in ClinVar:

ClinVar aggregate classification (germline): Uncertain significance (1 of 4 stars; one submission).

Conditions:
Familial cancer of breast. Also called: BREAST CANCER, FAMILIAL; Hereditary breast cancer; hereditary breast carcinoma. Identifiers: Orphanet 227535, MedGen C0346153, MONDO:0016419, OMIM 114480. Disease mechanism: loss of function.

Submission:

Labcorp Genetics (formerly Invitae), Labcorp
Classification: Uncertain significance for Familial cancer of breast. Last evaluated: 2019-05-06. Review status: criteria provided, single submitter. Criteria: Invitae Variant Classification Sherloc (09022015). Collection method: clinical testing. Allele origin: germline.
Comment: In summary, the available evidence is currently insufficient to determine the role of this variant in disease. Therefore, it has been classified as a Variant of Uncertain Significance. Experimental studies and prediction algorithms are not available for this variant, and the functional significance of the affected amino acid(s) is currently unknown. This variant has not been reported in the literature in individuals with BARD1-related conditions. This variant is not present in population databases (ExAC no frequency). This sequence change results in a frameshift in the BARD1 gene (p.Ser777Ilefs*4). While this is not anticipated to result in nonsense mediated decay, it is expected to disrupt the last amino acid of the BARD1 protein and extend the protein by an additional 2 amino acids.

NM_000465.4(BARD1):c.2330_*684del (p.Ser777fs)

Gene: BARD1 (BRCA1 associated RING domain 1; minus strand). Cytogenetic location: 2q35.
Variant type: Deletion.
Coding change: c.2330_*684del on transcript NM_000465.4 (MANE Select); coding-DNA position 2330 through 684 bases downstream of the stop codon, 689 bases deleted.
Protein change: p.Ser777fs; shifts the reading frame from serine 777.
Molecular consequence: frameshift variant. On other transcripts: non-coding transcript variant (3).
Genome position (GRCh38, 1-based): chr2:214,727,992-214,728,680, 689 bases deleted. GRCh37 (hg19): chr2:215,592,719-215,593,407.
Other names: c.2273_*684del, p.Ser758fs (NM_001282543.2); c.977_*684del, p.Ser326fs (NM_001282545.2); c.920_*684del, p.Ser307fs (NM_001282548.2); c.791_*684del, p.Ser264fs (NM_001282549.2); short protein forms S264fs, S758fs, S307fs, S326fs, S777fs.
Identifiers: ClinVar variation 951555 (VCV000951555.8), dbSNP rs1692152873, ClinGen allele CA1139657666.